The following is an entry in ClinVar:

NM_032119.4(ADGRV1):c.7134-2A>T

Gene: ADGRV1 (adhesion G protein-coupled receptor V1; plus strand). Cytogenetic location: 5q14.3.
Variant type: single nucleotide variant.
Coding change: c.7134-2A>T on transcript NM_032119.4 (MANE Select); the canonical splice acceptor site of the intron before coding-DNA position 7134, A replaced by T.
Molecular consequence: splice acceptor variant.
Genome position (GRCh38, 1-based): chr5:90,693,888, A>T. VCF-style: chr5-90693888-A-T. GRCh37 (hg19) VCF-style: chr5-89989705-A-T.
Identifiers: ClinVar variation 3767349 (VCV003767349.1).
Genomic context (GRCh38, chr5:90,693,888, plus strand): 5'-TTCTCTATTTGTAATTACTTTGAGTGCTTAACCTGTCTTTTAATTGTCACTCCACATTTT[A>T]GCGGAGGGCACTTTGGTCGGCTGTTGTTGTTCTACAGTACTTCCGACATTGATGTAGTGG-3'

ClinVar aggregate classification (germline): Likely pathogenic (1 of 4 stars; one submission).

Conditions:
Usher syndrome type 2C. Also called: USHER SYNDROME, TYPE IIC; Usher syndrome, type 2B. Identifiers: Orphanet 231178, Orphanet 886, MedGen C2931213, MONDO:0011558, OMIM 605472.

Submission:

SingHealth Duke-NUS Institute of Precision Medicine
Classification: Likely pathogenic for Usher syndrome type 2C. Last evaluated: 2025-02-05. Review status: criteria provided, single submitter. Criteria: PRISM ACMG Classification Criteria. Collection method: clinical testing. Allele origin: germline. Affected: yes.
Comment: Variant is predicted to cause LOF through splicing in a gene where LOF is a known cause of pathogenicity (PVS1). Variant is not found in gnomAD genomes and exomes (PM2).